The following is an entry in ClinVar:

NM_015559.3(SETBP1):c.4131G>A (p.Val1377=)

Gene: SETBP1 (SET binding protein 1; plus strand). Cytogenetic location: 18q12.3.
Variant type: single nucleotide variant.
Coding change: c.4131G>A on transcript NM_015559.3 (MANE Select); coding-DNA position 4131, G replaced by A.
Protein change: p.Val1377=; no amino-acid change (valine 1377 retained).
Molecular consequence: synonymous variant.
Genome position (GRCh38, 1-based): chr18:45,038,615, G>A. VCF-style: chr18-45038615-G-A. GRCh37 (hg19) VCF-style: chr18-42618580-G-A.
Identifiers: ClinVar variation 701922 (VCV000701922.16), dbSNP rs35460875, ClinGen allele CA8946083.
Genomic context (GRCh38, chr18:45,038,615, plus strand): 5'-CATGATGACCAGGAAGAAGCCAGCCGCAGTTGACAGTGTTACAATTCCACCAGCCCCAGT[G>A]TTATCTCTCCTTGCTGCATCTGCAGCAACGTCGGATGCAGGTGAGCACTTTTCAGATGCT-3'
Protein context (NP_056374.2, residues 1367-1387): VDSVTIPPAP[Val1377=]LSLLAASAAT

ClinVar aggregate classification (germline): Benign. Review status: criteria provided, multiple submitters, no conflicts (2 of 4 stars). 5 submissions from 5 submitters: Benign (4). 1 of the submissions does not count toward it. Last evaluated 2026-02-03.

Conditions:
SETBP1-related disorder. Also called: SETBP1-related condition; SETBP1-related disorders.

Allele frequency attached by ClinVar (database versions not stated): ESP Exome Variant Server 0.00777; gnomAD 0.00840 and 0.00887; TOPMed 0.00921; 1000 Genomes Project 0.01138; 1000 Genomes Project 30x 0.01249.
gnomAD v4.1: 2,577 of 1,614,184 alleles (0.16%); highest among the groups gnomAD compares: African/African-American, 3%; 42 homozygotes.

Submissions (5):

Labcorp Genetics (formerly Invitae), Labcorp
Classification: Benign. Last evaluated: 2026-02-03. Review status: criteria provided, single submitter. Criteria: Invitae Variant Classification Sherloc (09022015). Collection method: clinical testing. Allele origin: germline.

Athena Diagnostics
Classification: Benign. Last evaluated: 2020-01-08. Review status: criteria provided, single submitter. Criteria: Athena Diagnostics Criteria. Collection method: clinical testing. Allele origin: unknown.

GeneDx
Classification: Benign. Last evaluated: 2019-01-25. Review status: criteria provided, single submitter. Criteria: GeneDx Variant Classification Process June 2021. Collection method: clinical testing. Allele origin: germline. Affected: yes.

Breakthrough Genomics
Classification: Benign. Review status: criteria provided, single submitter. Criteria: ACMG Guidelines, 2015. Collection method: not provided. Allele origin: germline. Inheritance: Autosomal dominant inheritance. Affected: yes.

PreventionGenetics, part of Exact Sciences
Classification: Benign for SETBP1-related condition. Last evaluated: 2021-06-10. Review status: no assertion criteria provided. Collection method: clinical testing. Allele origin: germline. Not counted in ClinVar's aggregate classification.
Comment: This variant is classified as benign based on ACMG/AMP sequence variant interpretation guidelines (Richards et al. 2015 PMID: 25741868, with internal and published modifications).